The following is an entry in ClinVar:

NM_001148.6(ANK2):c.2345A>G (p.Gln782Arg)

Gene: ANK2 (ankyrin 2; plus strand). Cytogenetic location: 4q26.
Variant type: single nucleotide variant.
Coding change: c.2345A>G on transcript NM_001148.6 (MANE Select); coding-DNA position 2345, A replaced by G.
Protein change: p.Gln782Arg; replaces glutamine 782 with arginine.
Molecular consequence: missense variant.
Genome position (GRCh38, 1-based): chr4:113,292,483, A>G. VCF-style: chr4-113292483-A-G. GRCh37 (hg19) VCF-style: chr4-114213639-A-G.
Other names: c.2303A>G, p.Gln768Arg (NM_001354261.2, NM_001386147.1, NM_001386160.1); c.2282A>G, p.Gln761Arg (NM_001354262.2, NM_001354272.2, NM_001354275.2 and 10 more transcripts); c.2258A>G, p.Gln753Arg (NM_001354264.2, NM_001354266.2, NM_001354267.2 and 10 more transcripts); c.2345A>G, p.Gln782Arg (NM_001354265.2, NM_020977.5, NM_001354225.2 and 6 more transcripts); c.2246A>G, p.Gln749Arg (NM_001354268.2, NM_001354245.2); c.2135A>G, p.Gln712Arg (NM_001354269.3); c.2183A>G, p.Gln728Arg (NM_001354270.2, NM_001386156.1, NM_001354253.2 and 1 more transcripts); c.2159A>G, p.Gln720Arg (NM_001354271.2, NM_001386151.1, NM_001354260.2); and 8 more; short protein forms Q687R, Q716R, Q749R, Q712R, Q720R, Q761R, Q768R, Q782R.
Identifiers: ClinVar variation 953543 (VCV000953543.9), dbSNP rs754601230, ClinGen allele CA3050523.
Genomic context (GRCh38, chr4:113,292,483, plus strand): 5'-ACACGCCTTTGCACCAGGCCGCTCAGCAGGGTCACACGCACATCATCAACGTCCTGCTCC[A>G]GCATGGGGCCAAGCCCAACGCCACCACTGCGGTAAGGCAGACGCCACTGCCCCTCACCAC-3'
Protein context (NP_001139.3, residues 772-792): GHTHIINVLL[Gln782Arg]HGAKPNATTA

ClinVar aggregate classification (germline): Uncertain significance. Review status: criteria provided, multiple submitters, no conflicts (2 of 4 stars). 2 submissions from 2 submitters: Uncertain significance (2). Last evaluated 2025-10-28.

Conditions:
Long QT syndrome (LQTS). Identifiers: MedGen C0023976, MeSH D008133, MONDO:0002442. Disease mechanism: loss of function. Inheritance: Various modes of inheritance.
Cardiovascular phenotype. Identifiers: MedGen CN230736.

Allele frequency attached by ClinVar (database versions not stated): ExAC 0.00001; gnomAD exomes 0.00001 and 0.00002.
gnomAD v4.1: 9 of 1,611,700 alleles (0.00056%); highest among the groups gnomAD compares: Middle Eastern, 0.05%; 1 homozygote.

Submissions (2):

Labcorp Genetics (formerly Invitae), Labcorp
Classification: Uncertain significance for Long QT syndrome. Last evaluated: 2025-10-28. Review status: criteria provided, single submitter. Criteria: Invitae Variant Classification Sherloc (09022015). Collection method: clinical testing. Allele origin: germline.
Comment: This sequence change replaces glutamine, which is neutral and polar, with arginine, which is basic and polar, at codon 782 of the ANK2 protein (p.Gln782Arg). This variant is present in population databases (rs754601230, gnomAD 0.002%). This variant has not been reported in the literature in individuals affected with ANK2-related conditions. ClinVar contains an entry for this variant (Variation ID: 953543). Invitae Evidence Modeling of protein sequence and biophysical properties (such as structural, functional, and spatial information, amino acid conservation, physicochemical variation, residue mobility, and thermodynamic stability) indicates that this missense variant is not expected to disrupt ANK2 protein function with a negative predictive value of 80%. In summary, the available evidence is currently insufficient to determine the role of this variant in disease. Therefore, it has been classified as a Variant of Uncertain Significance.

Ambry Genetics
Classification: Uncertain significance for Cardiovascular phenotype. Last evaluated: 2024-10-21. Review status: criteria provided, single submitter. Criteria: Ambry Variant Classification Scheme 2023. Collection method: clinical testing. Allele origin: germline.
Comment: The p.Q782R variant (also known as c.2345A>G), located in coding exon 21 of the ANK2 gene, results from an A to G substitution at nucleotide position 2345. The glutamine at codon 782 is replaced by arginine, an amino acid with highly similar properties. This amino acid position is well conserved in available vertebrate species. In addition, this alteration is predicted to be tolerated by in silico analysis. Since supporting evidence is limited at this time, the clinical significance of this alteration remains unclear.